The following is an entry in ClinVar:

NM_001270508.2(TNFAIP3):c.1357T>G (p.Ser453Ala)

Gene: TNFAIP3 (TNF alpha induced protein 3; plus strand). Cytogenetic location: 6q23.3.
Variant type: single nucleotide variant.
Coding change: c.1357T>G on transcript NM_001270508.2 (MANE Select); coding-DNA position 1357, T replaced by G.
Protein change: p.Ser453Ala; replaces serine 453 with alanine.
Molecular consequence: missense variant.
Genome position (GRCh38, 1-based): chr6:137,878,802, T>G. VCF-style: chr6-137878802-T-G. GRCh37 (hg19) VCF-style: chr6-138199939-T-G.
Other names: c.1357T>G, p.Ser453Ala (NM_001270507.2, NM_006290.4); short protein forms S453A.
Identifiers: ClinVar variation 2000215 (VCV002000215.4), dbSNP rs1418924460, ClinGen allele CA365789883.
Genomic context (GRCh38, chr6:137,878,802, plus strand): 5'-ATGGCGCTCGGGGCCTCTCGGGGAGAAGCCTATGAGCCCTTGGCGTGGAACCCTGAGGAG[T>G]CCACTGGGGGGCCTCATTCGGCCCCACCGACAGCACCCAGCCCTTTTCTGTTCAGTGAGA-3'
Protein context (NP_001257437.1, residues 443-463): YEPLAWNPEE[Ser453Ala]TGGPHSAPPT

ClinVar aggregate classification (germline): Uncertain significance (1 of 4 stars; one submission).

Allele frequency attached by ClinVar (database versions not stated): gnomAD exomes 0.00001.

Submission:

Labcorp Genetics (formerly Invitae), Labcorp
Classification: Uncertain significance. Last evaluated: 2022-05-29. Review status: criteria provided, single submitter. Criteria: Invitae Variant Classification Sherloc (09022015). Collection method: clinical testing. Allele origin: germline.
Comment: In summary, the available evidence is currently insufficient to determine the role of this variant in disease. Therefore, it has been classified as a Variant of Uncertain Significance. Algorithms developed to predict the effect of missense changes on protein structure and function (SIFT, PolyPhen-2, Align-GVGD) all suggest that this variant is likely to be tolerated. This variant has not been reported in the literature in individuals affected with TNFAIP3-related conditions. This sequence change replaces serine, which is neutral and polar, with alanine, which is neutral and non-polar, at codon 453 of the TNFAIP3 protein (p.Ser453Ala). This variant is present in population databases (no rsID available, gnomAD 0.002%).